The following is an entry in ClinVar:

NM_024675.4(PALB2):c.2964del (p.Gln988_Val989insTer)

Gene: PALB2 (partner and localizer of BRCA2; minus strand). Cytogenetic location: 16p12.2.
Variant type: Deletion.
Coding change: c.2964del on transcript NM_024675.4 (MANE Select); coding-DNA position 2964, one base deleted (A; older notation c.2964delA).
Protein change: p.Gln988_Val989insTer.
Molecular consequence: frameshift variant.
Genome position (GRCh38, 1-based): chr16:23,623,001, T deleted on the plus strand (A on the coding strand, the reverse complement: PALB2 is on the minus strand); the first of 2 consecutive T bases (chr16:23,623,001-23,623,002); deleting either gives the same sequence. VCF-style (leftmost placement, unchanged base first): chr16-23623000-CT-C. GRCh37 (hg19) VCF-style: chr16-23634321-CT-C.
Other names: c.2964delA (NM_024675.4, NM_024675.3).
Identifiers: ClinVar variation 141560 (VCV000141560.46), dbSNP rs587781840, ClinGen allele CA165782.
Genomic context (GRCh38, chr16:23,623,000, plus strand): 5'-AGTTAAAAATCAATCAATGCTTTTCTTACCCTCCATCTTCTGCAAACGTCATGACTTCTA[CT>C]TGTTGATCAGAAAGGGTCCCACTGCTACTAACTAGCCTCCTCTTTGTCAGGCCAAGCACA-3'

ClinVar aggregate classification (germline): Pathogenic/Likely pathogenic. Review status: criteria provided, multiple submitters, no conflicts (2 of 4 stars). 18 submissions from 18 submitters: Pathogenic (17); Likely pathogenic (1). Last evaluated 2026-09-01.

Conditions:
PALB2-related cancer predisposition. Identifiers: MedGen CN377761, MONDO:0700272.
PALB2-related disorder. Also called: PALB2-related disorders; PALB2-related condition.
Breast-ovarian cancer, familial, susceptibility to, 5 (BROVCA5). Identifiers: MedGen C5830615, MONDO:0957530, OMIM 620442.
Hereditary cancer-predisposing syndrome. Also called: Hereditary neoplastic syndrome; Neoplastic Syndromes, Hereditary; Tumor predisposition; Hereditary Cancer Syndrome. Identifiers: Orphanet 140162, MedGen C0027672, MeSH D009386, MONDO:0015356.
Fanconi anemia complementation group N. Also called: PALB2-Related Fanconi Anemia. Identifiers: Orphanet 84, MedGen C1835817, MONDO:0012565, OMIM 610832. Disease mechanism: loss of function.
Familial cancer of breast. Also called: hereditary breast carcinoma; BREAST CANCER, FAMILIAL; Hereditary breast cancer. Identifiers: Orphanet 227535, MedGen C0346153, MONDO:0016419, OMIM 114480. Disease mechanism: loss of function.
Pancreatic cancer, susceptibility to, 3. Identifiers: Orphanet 1333, MedGen C3150547, MONDO:0013236, OMIM 613348.
Breast cancer, susceptibility to. Identifiers: MedGen C3469522. Disease mechanism: gain of function.
Malignant tumor of breast. Also called: Malignant breast neoplasm; Cancer breast. Identifiers: MedGen C0006142, MONDO:0007254. Disease mechanism: loss of function.

Submissions 1 to 10 of 18:

CeGaT Center for Human Genetics Tuebingen
Classification: Pathogenic. Last evaluated: 2026-09-01. Review status: criteria provided, single submitter. Criteria: CeGaT Center For Human Genetics Tuebingen Variant Classification Criteria Version 2. Collection method: clinical testing. Allele origin: germline. Affected: yes. Observed: 1 variant allele.
Comment: PALB2: PVS1, PM2, PS4:Moderate

PreventionGenetics, part of Exact Sciences
Classification: Pathogenic for PALB2-related condition. Last evaluated: 2026-06-26. Review status: criteria provided, single submitter. Criteria: ACMG Guidelines, 2015. Collection method: clinical testing. Allele origin: germline.
Comment: The PALB2 c.2964delA variant is predicted to result in premature protein termination (p.Val989*). This variant has been reported in multiple individuals with personal and/or family histories of breast and ovarian cancer (see for example: Adaniel et al. 2019. PubMed ID: 31125277; Adamson et al. 2023. PubMed ID: 37460928; Ramírez-Calvo et al. 2019. PubMed ID: 30675318; Pereira J.Z. et al. 2022. PubMed ID: 35980532). This variant has not been reported in a large population database (gnomAD), indicating this variant is rare. This variant is consistently interpreted as pathogenic in ClinVar (Variation ID: 141560). Nonsense variants in PALB2 are expected to be pathogenic. This variant is interpreted as pathogenic.

Women's Health and Genetics/Laboratory Corporation of America, LabCorp
Classification: Pathogenic for Malignant tumor of breast. Last evaluated: 2026-05-13. Review status: criteria provided, single submitter. Criteria: LabCorp Variant Classification Summary - May 2015. Collection method: clinical testing. Allele origin: germline.
Comment: Variant summary: PALB2 c.2964delA (p.Val989X) results in a premature termination codon, predicted to cause a truncation of the encoded protein or absence of the protein due to nonsense mediated decay, which are commonly known mechanisms for disease. The variant was absent in 251468 control chromosomes. c.2964delA has been observed in individual(s) affected with Breast Cancer (e.g. Adaniel_2019, Pereira_2022). These report(s) do not provide unequivocal conclusions about association of the variant with Breast Cancer. To our knowledge, no experimental evidence demonstrating an impact on protein function has been reported. The following publications have been ascertained in the context of this evaluation (PMID: 31125277, 35980532). ClinVar contains an entry for this variant (Variation ID: 141560). Based on the evidence outlined above, the variant was classified as pathogenic.

Labcorp Genetics (formerly Invitae), Labcorp
Classification: Pathogenic for Familial cancer of breast. Last evaluated: 2026-01-02. Review status: criteria provided, single submitter. Criteria: Invitae Variant Classification Sherloc (09022015). Collection method: clinical testing. Allele origin: germline.
Comment: This sequence change creates a premature translational stop signal (p.Val989*) in the PALB2 gene. It is expected to result in an absent or disrupted protein product. Loss-of-function variants in PALB2 are known to be pathogenic (PMID: 17200668, 17200671, 17200672, 24136930, 25099575). This variant is not present in population databases (gnomAD no frequency). This variant has not been reported in the literature in individuals affected with PALB2-related conditions. ClinVar contains an entry for this variant (Variation ID: 141560). RNA analysis performed to evaluate the impact of this premature translational stop signal on mRNA splicing indicates it does not significantly alter splicing (internal data). For these reasons, this variant has been classified as Pathogenic.

Dasa
Classification: Pathogenic for Breast-ovarian cancer, familial, susceptibility to, 5. Last evaluated: 2025-12-26. Review status: criteria provided, single submitter. Criteria: DASA Assertion Criteria. Collection method: clinical testing. Allele origin: germline.
Comment: NM_024675.4(PALB2):c.2964del (p.Val989Ter) is a nonsense variant in PALB2 predicted to introduce a premature termination codon and is predicted to result in an absent or altered protein product. Loss of function is an established disease mechanism for PALB2 (PMID: 17200668; PMID: 25099575; PMID: 31841383). The affected residue or protein region has prior evidence supporting clinical relevance. Also, this variant is rare in population databases. Based on the currently available evidence, this variant is classified as pathogenic.

Molecular Diagnostics Laboratory, Catalan Institute of Oncology
Classification: Pathogenic for Hereditary cancer-predisposing syndrome. Last evaluated: 2024-10-28. Review status: criteria provided, single submitter. Criteria: ClinGen ACMG Specifications PALB2 V1.0.0. Collection method: clinical testing. Allele origin: germline.
Comment: PVS1, PM2_Supporting, PM5_Supporting c.2964del, located in exon 9 of the PALB2 gene, consists in the deletion of one nucleotide, causing an alternate stop codon, p.(Val989*).This alteration is expected to result in loss of function by premature protein truncation (PVS1, PM5_Supporting). It is not present in the population database gnomAD v2.1.1, non cancer dataset (PM2_supporting). The SpliceAI algorithm results in a non-informative deltascore (0.19) for the effect of this variant on splicing. To our knowledge, functional studies have not been reported for this variant. In addition, it has been reported in the ClinVar (10x as pathogenic) and in LOVD (2x pathogenic, 1x not classified) databases. Based on currently available information, the variant c.2964del is classified as a pathogenic variant according to ClinGen-PALB2 Guidelines version 1.0.

Institute for Genomic Medicine (IGM) Clinical Laboratory, Nationwide Children's Hospital
Classification: Pathogenic for PALB2-related cancer predisposition. Last evaluated: 2024-09-24. Review status: criteria provided, single submitter. Criteria: ACMG Guidelines, 2015. Collection method: clinical testing. Allele origin: germline.
Comment: This variant is predicted to result in loss of function through nonsense-mediated decay of the encoded transcript or premature truncation of the encoded protein in a gene in which loss of function is a known mechanism of disease (ACMG/AMP: PVS1; PMIDs:17200668, 17200672, 24136930, 25099575, 33471991). Well-established functional studies have demonstrated this variant to have a damaging effect on protein function or splicing (ACMG/AMP: PS3; PMIDs:19609323, 19584259). This variant has been reported at an elevated frequency in affected individuals/in multiple affected individuals in the literature (ACMG/AMP: PS4; PMIDs:30675318, 31125277, 32554798, 23448497, 21285249). This variant is absent from or present at an exceedingly low frequency in gnomAD, a large-scale control population database (ACMG/AMP: PM2).

Hema, HEMA – Genetic and Molecular Diagnostic Laboratory
Classification: Likely pathogenic for PALB2-related cancer predisposition. Last evaluated: 2024-09-16. Review status: criteria provided, single submitter. Criteria: HEMA Variant Classification Assertion Criteria. Collection method: clinical testing. Allele origin: germline.
Comment: It is a nucleotide deletion that causes a frameshift in PALB2. PVS1: Null variant (frameshift) in a gene for which loss of function is a known disease mechanism. The variant c.2964del p.(Val989*) in the PALB2 gene introduces a premature stop codon in exon 9/13, which is predicted to result in nonsense-mediated decay (NMD) of the transcript. PM5_Supporting: Variant results in a premature stop codon before p.Tyr1183.

Ambry Genetics
Classification: Pathogenic for Hereditary cancer-predisposing syndrome. Last evaluated: 2024-05-30. Review status: criteria provided, single submitter. Criteria: Ambry Variant Classification Scheme 2023. Collection method: clinical testing. Allele origin: germline.
Comment: The c.2964delA pathogenic mutation (also known as p.V989*), located in coding exon 9 of the PALB2 gene, results from a deletion of one nucleotide at nucleotide position 2964. This changes the amino acid from a valine to a stop codon within coding exon 9. This mutation has been detected in multiple individuals with a personal and/or family history of breast cancer (Adaniel C et al. J Glob Oncol, 2019 05;5:1-14; Ram&iacute;rez-Calvo M et al. Hered Cancer Clin Pract, 2019 Jan;17:3; Dorling et al. N Engl J Med. 2021 02;384:428-439). In addition to the clinical data presented in the literature, this alteration is expected to result in loss of function by premature protein truncation or nonsense-mediated mRNA decay. As such, this alteration is interpreted as a disease-causing mutation.

Baylor Genetics
Classification: Pathogenic for Familial cancer of breast. Last evaluated: 2024-03-08. Review status: criteria provided, single submitter. Criteria: ACMG Guidelines, 2015. Collection method: clinical testing. Allele origin: unknown.